The following is an entry in ClinVar:

ClinVar aggregate classification (germline): Pathogenic. Review status: criteria provided, multiple submitters, no conflicts (2 of 4 stars). 4 submissions from 4 submitters: Pathogenic (4). Last evaluated 2023-12-30.

Conditions:
Hereditary cancer-predisposing syndrome. Also called: Neoplastic Syndromes, Hereditary; Hereditary neoplastic syndrome; Tumor predisposition; Hereditary Cancer Syndrome. Identifiers: Orphanet 140162, MedGen C0027672, MeSH D009386, MONDO:0015356.
Fanconi anemia complementation group J. Also called: BRIP1-Related Fanconi Anemia. Identifiers: Orphanet 84, MedGen C1836860, MONDO:0012187, OMIM 609054.
Familial cancer of breast. Also called: BREAST CANCER, FAMILIAL; hereditary breast carcinoma; Hereditary breast cancer. Identifiers: Orphanet 227535, MedGen C0346153, MONDO:0016419, OMIM 114480. Disease mechanism: loss of function.

Submissions (4):

Labcorp Genetics (formerly Invitae), Labcorp
Classification: Pathogenic for Familial cancer of breast; Fanconi anemia complementation group J. Last evaluated: 2023-12-30. Review status: criteria provided, single submitter. Criteria: Invitae Variant Classification Sherloc (09022015). Collection method: clinical testing. Allele origin: germline.
Comment: This sequence change creates a premature translational stop signal (p.Phe328Leufs*8) in the BRIP1 gene. It is expected to result in an absent or disrupted protein product. Loss-of-function variants in BRIP1 are known to be pathogenic (PMID: 16116423, 17033622, 21964575). This variant is not present in population databases (gnomAD no frequency). This variant has not been reported in the literature in individuals affected with BRIP1-related conditions. ClinVar contains an entry for this variant (Variation ID: 1075963). Algorithms developed to predict the effect of sequence changes on RNA splicing suggest that this variant may disrupt the consensus splice site. For these reasons, this variant has been classified as Pathogenic.

Color Diagnostics, LLC DBA Color Health
Classification: Pathogenic for Hereditary cancer-predisposing syndrome. Last evaluated: 2023-08-08. Review status: criteria provided, single submitter. Criteria: ACMG Guidelines, 2015. Collection method: clinical testing. Allele origin: germline.
Comment: This variant deletes 7 nucleotides in exon 8 of the BRIP1 gene, creating a frameshift and premature translation stop signal. This variant is expected to result in an absent or non-functional protein product. To our knowledge, this variant has not been reported in individuals affected with BRIP1-related disorders in the literature. This variant has not been identified in the general population by the Genome Aggregation Database (gnomAD). Loss of BRIP1 function is a known mechanism of disease. Based on the available evidence, this variant is classified as Pathogenic.

Ambry Genetics
Classification: Pathogenic for Hereditary cancer-predisposing syndrome. Last evaluated: 2023-08-03. Review status: criteria provided, single submitter. Criteria: Ambry Variant Classification Scheme 2023. Collection method: clinical testing. Allele origin: germline.
Comment: The c.984_990delCCAAGGG pathogenic mutation, located in coding exon 7 of the BRIP1 gene, results from a deletion of 7 nucleotides at nucleotide positions 984 to 990, causing a translational frameshift with a predicted alternate stop codon (p.F328Lfs*8). This variant is considered to be rare based on population cohorts in the Genome Aggregation Database (gnomAD). This alteration is expected to result in loss of function by premature protein truncation or nonsense-mediated mRNA decay. As such, this alteration is interpreted as a disease-causing mutation.

Myriad Genetics, Inc.
Classification: Pathogenic for Familial cancer of breast. Last evaluated: 2023-06-01. Review status: criteria provided, single submitter. Criteria: Myriad Autosomal Dominant, Autosomal Recessive and X-Linked Classification Criteria (2023). Collection method: clinical testing. Allele origin: unknown.
Comment: This variant is considered pathogenic. This variant creates a frameshift predicted to result in premature protein truncation.

Literature cited by the submitters: PubMed 16116423 (cited by Labcorp Genetics (formerly Invitae), Labcorp); PubMed 17033622 (cited by Labcorp Genetics (formerly Invitae), Labcorp); PubMed 21964575 (cited by Labcorp Genetics (formerly Invitae), Labcorp).

NM_032043.3(BRIP1):c.984_990del (p.Phe328fs)

Gene: BRIP1 (BRCA1 interacting DNA helicase 1; minus strand). Cytogenetic location: 17q23.2.
Variant type: Deletion.
Coding change: c.984_990del on transcript NM_032043.3 (MANE Select); coding-DNA positions 984 to 990, 7 bases deleted (CCAAGGG; older notation c.984_990delCCAAGGG).
Protein change: p.Phe328fs; shifts the reading frame from phenylalanine 328.
Molecular consequence: frameshift variant.
Genome position (GRCh38, 1-based): chr17:61,801,403-61,801,409, CCCTTGG deleted on the plus strand (CCAAGGG on the coding strand, the reverse complement: BRIP1 is on the minus strand). VCF-style (leftmost placement, unchanged base first): chr17-61801402-TCCCTTGG-T. GRCh37 (hg19) VCF-style: chr17-59878763-TCCCTTGG-T.
Other names: c.984_990delCCAAGGG (NM_032043.2); short protein forms F328fs.
Identifiers: ClinVar variation 1075963 (VCV001075963.12), dbSNP rs2145339188, ClinGen allele CA2499224808.
Genomic context (GRCh38, chr17:61,801,402, plus strand): 5'-GACAGGCCTTTAGTTTCTTCCCCAGGCTGACAAGTTCTTCTATATCCCAGGCTTTGCACA[TCCCTTGG>T]AAAGTCTGTAATGTGTGCTGATCACTAATTTTATGAACTCCATGATAAAAATAGCAGGAT-3'